The following is an entry in ClinVar:

ClinVar aggregate classification (germline): Benign/Likely benign. Review status: criteria provided, multiple submitters, no conflicts (2 of 4 stars). 2 submissions from 2 submitters: Benign (1); Likely benign (1). Last evaluated 2024-05-24.

Conditions:
Familial cancer of breast. Also called: Hereditary breast cancer; hereditary breast carcinoma; BREAST CANCER, FAMILIAL. Identifiers: Orphanet 227535, MedGen C0346153, MONDO:0016419, OMIM 114480. Disease mechanism: loss of function.
Hereditary cancer-predisposing syndrome. Also called: Hereditary neoplastic syndrome; Neoplastic Syndromes, Hereditary; Tumor predisposition; Hereditary Cancer Syndrome. Identifiers: Orphanet 140162, MedGen C0027672, MeSH D009386, MONDO:0015356.

Submissions (2):

Myriad Genetics, Inc.
Classification: Benign for Familial cancer of breast. Last evaluated: 2024-05-24. Review status: criteria provided, single submitter. Criteria: Myriad Autosomal Dominant, Autosomal Recessive and X-Linked Classification Criteria (2023). Collection method: clinical testing. Allele origin: unknown.
Comment: This variant is considered benign. This variant is a silent/synonymous amino acid change and it is not expected to impact splicing.

Ambry Genetics
Classification: Likely benign for Hereditary cancer-predisposing syndrome. Last evaluated: 2020-01-31. Review status: criteria provided, single submitter. Criteria: Ambry Variant Classification Scheme 2023. Collection method: clinical testing. Allele origin: germline.

NM_000051.4(ATM):c.5880C>T (p.Ile1960=)

Genes: ATM (ATM serine/threonine kinase; plus strand), C11orf65 (chromosome 11 open reading frame 65; minus strand). Cytogenetic location: 11q22.3.
Variant type: single nucleotide variant.
Coding change: c.5880C>T on transcript NM_000051.4 (MANE Select); coding-DNA position 5880, C replaced by T.
Protein change: p.Ile1960=; no amino-acid change (isoleucine 1960 retained).
Molecular consequence: synonymous variant. On other transcripts: intron variant (2).
Genome position (GRCh38, 1-based): chr11:108,310,277, C>T. VCF-style: chr11-108310277-C-T. GRCh37 (hg19) VCF-style: chr11-108181004-C-T.
Other names: c.5880C>T, p.Ile1960= (NM_001351834.2); c.641-1206G>A (NM_001330368.2); c.*39-1206G>A (NM_001351110.2).
Identifiers: ClinVar variation 1750268 (VCV001750268.3), dbSNP rs1555110464, ClinGen allele CA476675506.